The following is an entry in ClinVar:

NM_001042424.3(NSD2):c.2130_2131del (p.Ala711fs)

Gene: NSD2 (nuclear receptor binding SET domain protein 2; plus strand). Cytogenetic location: 4p16.3.
Variant type: Microsatellite.
Coding change: c.2130_2131del on transcript NM_001042424.3 (MANE Select); coding-DNA positions 2130 to 2131, 2 bases deleted (TG; older notation c.2130_2131delTG).
Protein change: p.Ala711fs; shifts the reading frame from alanine 711.
Molecular consequence: frameshift variant.
Genome position (GRCh38, 1-based): chr4:1,952,224-1,952,225, TG deleted; deleting any 2 consecutive bases within chr4:1,952,221-1,952,225 gives the same sequence; the c. name uses the placement nearest the transcript's 3' end. VCF-style (leftmost placement, unchanged base first): chr4-1952220-AGT-A. GRCh37 (hg19) VCF-style: chr4-1953947-AGT-A.
Other names: c.2130_2131del, p.Ala711fs (NM_001440892.1, NM_001440894.1, NM_001440895.1 and 4 more transcripts); c.2229_2230del, p.Ala744fs (NM_001440893.1); c.1923_1924del, p.Ala642fs (NM_001440897.1, NM_001440898.1); c.1161_1162del, p.Ala388fs (NM_001440899.1, NM_001440900.1); short protein forms A388fs, A642fs, A711fs, A744fs.
Identifiers: ClinVar variation 5038165 (VCV005038165.1).

ClinVar aggregate classification (germline): Likely pathogenic (1 of 4 stars; one submission).

Conditions:
Rauch-Steindl syndrome (RAUST). Identifiers: Orphanet 659642, MedGen C5562061, MONDO:0859219, OMIM 619695.

Submission:

MVZ Medizinische Genetik Mainz
Classification: Likely pathogenic for Rauch-Steindl syndrome. Last evaluated: 2026-10-01. Review status: criteria provided, single submitter. Criteria: UK Practice Guidelines For Variant Classification V4 01 2020. Collection method: clinical testing. Allele origin: germline. Inheritance: Autosomal dominant inheritance. Affected: yes. Observed: 1 variant allele.
Comment: ACMG Criteria: PVS1,PM2_SUP